The following is an entry in ClinVar:

NM_001197104.2(KMT2A):c.1672T>G (p.Ser558Ala)

Gene: KMT2A (lysine methyltransferase 2A; plus strand). Cytogenetic location: 11q23.3.
Variant type: single nucleotide variant.
Coding change: c.1672T>G on transcript NM_001197104.2 (MANE Select); coding-DNA position 1672, T replaced by G.
Protein change: p.Ser558Ala; replaces serine 558 with alanine.
Molecular consequence: missense variant.
Genome position (GRCh38, 1-based): chr11:118,472,831, T>G. VCF-style: chr11-118472831-T-G. GRCh37 (hg19) VCF-style: chr11-118343546-T-G.
Other names: c.1672T>G (NM_001197104.1); c.1672T>G, p.Ser558Ala (NM_005933.4); short protein forms S558A.
Identifiers: ClinVar variation 1498316 (VCV001498316.8), dbSNP rs1352890108, ClinGen allele CA382810646.
Genomic context (GRCh38, chr11:118,472,831, plus strand): 5'-TTTGGATCTAGAACGACGAAAAAATTATCAACTCTACAAAGTGCCCCCCAGCAGCAGACC[T>G]CCTCGTCTCCACCTCCACCTCTGCTGACTCCACCGCCACCACTGCAGCCAGCCTCCAGTA-3'
Protein context (NP_001184033.1, residues 548-568): TLQSAPQQQT[Ser558Ala]SSPPPPLLTP

ClinVar aggregate classification (germline): Uncertain significance. Review status: criteria provided, single submitter (1 of 4 stars). 2 submissions from 2 submitters: Uncertain significance (1). 1 of the submissions does not count toward it. Last evaluated 2024-11-27.

Conditions:
KMT2A-related disorder. Also called: KMT2A-related condition.

Submissions (2):

Labcorp Genetics (formerly Invitae), Labcorp
Classification: Uncertain significance. Last evaluated: 2024-11-27. Review status: criteria provided, single submitter. Criteria: Invitae Variant Classification Sherloc (09022015). Collection method: clinical testing. Allele origin: germline.
Comment: This sequence change replaces serine, which is neutral and polar, with alanine, which is neutral and non-polar, at codon 558 of the KMT2A protein (p.Ser558Ala). This variant is not present in population databases (gnomAD no frequency). This variant has not been reported in the literature in individuals affected with KMT2A-related conditions. ClinVar contains an entry for this variant (Variation ID: 1498316). Invitae Evidence Modeling of protein sequence and biophysical properties (such as structural, functional, and spatial information, amino acid conservation, physicochemical variation, residue mobility, and thermodynamic stability) has been performed for this missense variant. However, the output from this modeling did not meet the statistical confidence thresholds required to predict the impact of this variant on KMT2A protein function. In summary, the available evidence is currently insufficient to determine the role of this variant in disease. Therefore, it has been classified as a Variant of Uncertain Significance.

PreventionGenetics, part of Exact Sciences
Classification: Uncertain significance for KMT2A-related condition. Last evaluated: 2024-01-11. Review status: no assertion criteria provided. Collection method: clinical testing. Allele origin: germline. Not counted in ClinVar's aggregate classification.
Comment: The KMT2A c.1672T>G variant is predicted to result in the amino acid substitution p.Ser558Ala. To our knowledge, this variant has not been reported in the literature or in a large population database, indicating this variant is rare. At this time, the clinical significance of this variant is uncertain due to the absence of conclusive functional and genetic evidence.